The following is an entry in ClinVar:

NM_005228.5(EGFR):c.2455G>A (p.Val819Met)

Genes: EGFR-AS1 (EGFR antisense RNA 1; minus strand), EGFR (epidermal growth factor receptor; plus strand). Cytogenetic location: 7p11.2.
Variant type: single nucleotide variant.
Coding change: c.2455G>A on transcript NM_005228.5 (MANE Select); coding-DNA position 2455, G replaced by A.
Protein change: p.Val819Met; replaces valine 819 with methionine.
Molecular consequence: missense variant. On other transcripts: non-coding transcript variant (1).
Genome position (GRCh38, 1-based): chr7:55,181,464, G>A. VCF-style: chr7-55181464-G-A. GRCh37 (hg19) VCF-style: chr7-55249157-G-A.
Other names: c.2320G>A, p.Val774Met (NM_001346897.2, NM_001346899.2); c.2455G>A, p.Val819Met (NM_001346898.2); c.2296G>A, p.Val766Met (NM_001346900.2); c.1654G>A, p.Val552Met (NM_001346941.2); short protein forms V766M, V819M, V552M, V774M.
Identifiers: ClinVar variation 1432503 (VCV001432503.6), dbSNP rs2128958867, ClinGen allele CA367579044.

ClinVar aggregate classification (germline): Uncertain significance (1 of 4 stars; one submission).

Conditions:
EGFR-related lung cancer (EGFR). Identifiers: MedGen CN130014.

Allele frequency attached by ClinVar (database versions not stated): gnomAD exomes below 0.00001.
gnomAD v4.1: 1 of 1,614,246 alleles (0.000062%); highest among the groups gnomAD compares: South Asian, 0.0011%; no homozygotes.

Submission:

Labcorp Genetics (formerly Invitae), Labcorp
Classification: Uncertain significance for EGFR-related lung cancer. Last evaluated: 2021-08-11. Review status: criteria provided, single submitter. Criteria: Invitae Variant Classification Sherloc (09022015). Collection method: clinical testing. Allele origin: germline.
Comment: This variant has not been reported in the literature in individuals affected with EGFR-related conditions. This variant is not present in population databases (ExAC no frequency). This sequence change replaces valine with methionine at codon 819 of the EGFR protein (p.Val819Met). The valine residue is moderately conserved and there is a small physicochemical difference between valine and methionine. In summary, the available evidence is currently insufficient to determine the role of this variant in disease. Therefore, it has been classified as a Variant of Uncertain Significance. Algorithms developed to predict the effect of missense changes on protein structure and function are either unavailable or do not agree on the potential impact of this missense change (SIFT: "Tolerated"; PolyPhen-2: "Probably Damaging"; Align-GVGD: "Class C0").